The following is an entry in ClinVar:

NM_001372066.1(TFAP2A):c.698T>A (p.Val233Glu)

Genes: TFAP2A (transcription factor AP-2 alpha; minus strand), TFAP2A-AS2 (TFAP2A antisense RNA 2; plus strand), LOC121740638 (BRD4-independent group 4 enhancer GRCh37_chr6:10403277-10404476; plus strand). Cytogenetic location: 6p24.3.
Variant type: single nucleotide variant.
Coding change: c.698T>A on transcript NM_001372066.1 (MANE Select); coding-DNA position 698, T replaced by A.
Protein change: p.Val233Glu; replaces valine 233 with glutamic acid.
Molecular consequence: missense variant. On other transcripts: non-coding transcript variant (1).
Genome position (GRCh38, 1-based): chr6:10,404,580, A>T on the plus strand (T>A on the coding strand, the complement: TFAP2A is on the minus strand). VCF-style: chr6-10404580-A-T. GRCh37 (hg19) VCF-style: chr6-10404813-A-T.
Other names: c.674T>A, p.Val225Glu (NM_001032280.3); c.680T>A, p.Val227Glu (NM_001042425.3); short protein forms V225E, V227E, V233E.
Identifiers: ClinVar variation 3902865 (VCV003902865.1).

ClinVar aggregate classification (germline): Uncertain significance (1 of 4 stars; one submission).

Submission:

GeneDx
Classification: Uncertain significance. Last evaluated: 2024-12-12. Review status: criteria provided, single submitter. Criteria: GeneDx Variant Classification Process June 2021. Collection method: clinical testing. Allele origin: germline. Affected: yes.
Comment: Not observed at significant frequency in large population cohorts (gnomAD); In silico analysis supports that this missense variant has a deleterious effect on protein structure/function; Has not been previously published as pathogenic or benign to our knowledge